The following is an entry in ClinVar:

ClinVar aggregate classification (germline): Uncertain significance. Review status: criteria provided, multiple submitters, no conflicts (2 of 4 stars). 2 submissions from 2 submitters: Uncertain significance (2). Last evaluated 2025-05-27.

Conditions:
Inborn genetic diseases. Identifiers: MedGen C0950123, MeSH D030342.

Submissions (2):

Ambry Genetics
Classification: Uncertain significance for Inborn genetic diseases. Last evaluated: 2025-05-27. Review status: criteria provided, single submitter. Criteria: Ambry Variant Classification Scheme 2023. Collection method: clinical testing. Allele origin: germline.
Comment: The p.T203I variant (also known as c.608C>T), located in coding exon 1 of the SAMD9L gene, results from a C to T substitution at nucleotide position 608. The threonine at codon 203 is replaced by isoleucine, an amino acid with similar properties. This amino acid position is conserved. In addition, this alteration is predicted to be tolerated by in silico analysis. Based on the available evidence, the clinical significance of this variant remains unclear.

Labcorp Genetics (formerly Invitae), Labcorp
Classification: Uncertain significance. Last evaluated: 2025-01-05. Review status: criteria provided, single submitter. Criteria: Invitae Variant Classification Sherloc (09022015). Collection method: clinical testing. Allele origin: germline.
Comment: This sequence change replaces threonine, which is neutral and polar, with isoleucine, which is neutral and non-polar, at codon 203 of the SAMD9L protein (p.Thr203Ile). This variant is not present in population databases (gnomAD no frequency). This variant has not been reported in the literature in individuals affected with SAMD9L-related conditions. An algorithm developed to predict the effect of missense changes on protein structure and function outputs the following: PolyPhen-2: "Probably Damaging". The isoleucine amino acid residue is found in multiple mammalian species, which suggests that this missense change does not adversely affect protein function. In summary, the available evidence is currently insufficient to determine the role of this variant in disease. Therefore, it has been classified as a Variant of Uncertain Significance.

NM_152703.5(SAMD9L):c.608C>T (p.Thr203Ile)

Gene: SAMD9L (sterile alpha motif domain containing 9 like; minus strand). Cytogenetic location: 7q21.2.
Variant type: single nucleotide variant.
Coding change: c.608C>T on transcript NM_152703.5 (MANE Select); coding-DNA position 608, C replaced by T.
Protein change: p.Thr203Ile; replaces threonine 203 with isoleucine.
Molecular consequence: missense variant.
Genome position (GRCh38, 1-based): chr7:93,135,364, G>A on the plus strand (C>T on the coding strand, the complement: SAMD9L is on the minus strand). VCF-style: chr7-93135364-G-A. GRCh37 (hg19) VCF-style: chr7-92764677-G-A.
Other names: c.608C>T (NM_152703.2); c.608C>T, p.Thr203Ile (NM_001303496.3, NM_001303497.3, NM_001303498.3 and 5 more transcripts); short protein forms T203I.
Identifiers: ClinVar variation 3728511 (VCV003728511.3).